The following is an entry in ClinVar:

ClinVar aggregate classification (germline): Uncertain significance (1 of 4 stars; one submission).

Conditions:
Charcot-Marie-Tooth disease type 4. Also called: Charcot-Marie-Tooth disease, type IV; Charcot-Marie-Tooth, Type 4. Identifiers: Orphanet 64749, MedGen C4082197, MONDO:0018995.

Submission:

Labcorp Genetics (formerly Invitae), Labcorp
Classification: Uncertain significance for Charcot-Marie-Tooth disease type 4. Last evaluated: 2021-05-27. Review status: criteria provided, single submitter. Criteria: Invitae Variant Classification Sherloc (09022015). Collection method: clinical testing. Allele origin: germline.
Comment: This sequence change replaces valine with glutamic acid at codon 489 of the PRX protein (p.Val489Glu). The valine residue is highly conserved and there is a moderate physicochemical difference between valine and glutamic acid. This variant is not present in population databases (ExAC no frequency). This variant has not been reported in the literature in individuals with PRX-related conditions. Algorithms developed to predict the effect of missense changes on protein structure and function are either unavailable or do not agree on the potential impact of this missense change (SIFT: "Deleterious"; PolyPhen-2: "Possibly Damaging"; Align-GVGD: "Class C15"). In summary, the available evidence is currently insufficient to determine the role of this variant in disease. Therefore, it has been classified as a Variant of Uncertain Significance.

NM_181882.3(PRX):c.1466T>A (p.Val489Glu)

Gene: PRX (periaxin; minus strand). Cytogenetic location: 19q13.2.
Variant type: single nucleotide variant.
Coding change: c.1466T>A on transcript NM_181882.3 (MANE Select); coding-DNA position 1466, T replaced by A.
Protein change: p.Val489Glu; replaces valine 489 with glutamic acid.
Molecular consequence: missense variant. On other transcripts: 3 prime UTR variant (1).
Genome position (GRCh38, 1-based): chr19:40,396,886, A>T on the plus strand (T>A on the coding strand, the complement: PRX is on the minus strand). VCF-style: chr19-40396886-A-T. GRCh37 (hg19) VCF-style: chr19-40902793-A-T.
Other names: c.*1671T>A (NM_020956.2); short protein forms V489E.
Identifiers: ClinVar variation 1057699 (VCV001057699.9), dbSNP rs1484709871, ClinGen allele CA405898332.
Genomic context (GRCh38, chr19:40,396,886, plus strand): 5'-TCTGGCACCTTTGGGAGTTTCATCTCTGACACTTTGGGCAGCTCTACCTCTGGAAGCCGC[A>T]CCTCCGGCACAGCCATCTCTGGCACCTTTGGGAGTTTCATCTCTGACACCTTGGGGAGCT-3'
Protein context (NP_870998.2, residues 479-499): PKVPEMAVPE[Val489Glu]RLPEVELPKV